The following is an entry in ClinVar:

NM_000053.4(ATP7B):c.2452del (p.Glu818fs)

Gene: ATP7B (ATPase copper transporting beta; minus strand). Cytogenetic location: 13q14.3.
Variant type: Deletion.
Coding change: c.2452del on transcript NM_000053.4 (MANE Select); coding-DNA position 2452, one base deleted (G; older notation c.2452delG).
Protein change: p.Glu818fs; shifts the reading frame from glutamic acid 818.
Molecular consequence: frameshift variant.
Genome position (GRCh38, 1-based): chr13:51,950,395, C deleted on the plus strand (G on the coding strand, the reverse complement: ATP7B is on the minus strand); the first of 2 consecutive C bases (chr13:51,950,395-51,950,396); deleting either gives the same sequence. VCF-style (leftmost placement, unchanged base first): chr13-51950394-TC-T. GRCh37 (hg19) VCF-style: chr13-52524530-TC-T.
Other names: c.1966del, p.Glu656fs (NM_001005918.3); c.2119del, p.Glu707fs (NM_001243182.2); c.2218del, p.Glu740fs (NM_001330578.2); c.2200del, p.Glu734fs (NM_001330579.2); c.2451delG, p.Glu818Serfs (NM_001406511.1, NM_001406512.1, NM_001406513.1 and 7 more transcripts); c.2418delG, p.Glu807Serfs (NM_001406514.1); c.2355delG, p.Glu786Serfs (NM_001406517.1, NM_001406518.1); c.2307delG, p.Glu770Serfs (NM_001406520.1, NM_001406521.1, NM_001406522.1 and 1 more transcripts); and 10 more; short protein forms E740fs, E734fs, E656fs, E818fs, E707fs.
Identifiers: ClinVar variation 2033094 (VCV002033094.4), dbSNP rs2547674600, ClinGen allele CA2580087746.
Genomic context (GRCh38, chr13:51,950,394, plus strand): 5'-TTTCCCCCAGGGACCACCTTGACGATATCGCCCCGCTGCACCAGCTCCATGGGGACTTGC[TC>T]CTCCCTGCAACAAACGCCACTTATCACTCACATGGCCACTCATTCGGTCACCGGGTCAGG-3'

ClinVar aggregate classification (germline): Pathogenic (1 of 4 stars; one submission).

Conditions:
Wilson disease (WND). Also called: Wilson's disease. Identifiers: Orphanet 905, MedGen C0019202, MONDO:0010200, OMIM 277900. Disease mechanism: loss of function.

Submission:

Labcorp Genetics (formerly Invitae), Labcorp
Classification: Pathogenic for Wilson disease. Last evaluated: 2022-09-28. Review status: criteria provided, single submitter. Criteria: Invitae Variant Classification Sherloc (09022015). Collection method: clinical testing. Allele origin: germline.
Comment: This sequence change creates a premature translational stop signal (p.Glu818Serfs*55) in the ATP7B gene. It is expected to result in an absent or disrupted protein product. Loss-of-function variants in ATP7B are known to be pathogenic (PMID: 10441329, 16283883). This variant is not present in population databases (gnomAD no frequency). This variant has not been reported in the literature in individuals affected with ATP7B-related conditions. For these reasons, this variant has been classified as Pathogenic.

Literature cited by the submitters: PubMed 10441329; PubMed 16283883.